The following is an entry in ClinVar:

NM_003072.5(SMARCA4):c.575G>A (p.Arg192Lys)

Gene: SMARCA4 (SWI/SNF related BAF chromatin remodeling complex subunit ATPase 4; plus strand). Cytogenetic location: 19p13.2.
Variant type: single nucleotide variant.
Coding change: c.575G>A on transcript NM_003072.5 (MANE Select); coding-DNA position 575, G replaced by A.
Protein change: p.Arg192Lys; replaces arginine 192 with lysine.
Molecular consequence: missense variant. On other transcripts: non-coding transcript variant (1).
Genome position (GRCh38, 1-based): chr19:10,986,408, G>A. VCF-style: chr19-10986408-G-A. GRCh37 (hg19) VCF-style: chr19-11097084-G-A.
Other names: c.575G>A, p.Arg192Lys (NM_001128844.3, NM_001128845.2, NM_001128846.2 and 4 more transcripts); short protein forms R192K.
Identifiers: ClinVar variation 825948 (VCV000825948.9), dbSNP rs1599950890, ClinGen allele CA404056440.

ClinVar aggregate classification (germline): Uncertain significance. Review status: criteria provided, multiple submitters, no conflicts (2 of 4 stars). 2 submissions from 2 submitters: Uncertain significance (2). Last evaluated 2022-04-22.

Conditions:
Hereditary cancer-predisposing syndrome. Also called: Neoplastic Syndromes, Hereditary; Tumor predisposition; Hereditary neoplastic syndrome; Hereditary Cancer Syndrome. Identifiers: Orphanet 140162, MedGen C0027672, MeSH D009386, MONDO:0015356.
Rhabdoid tumor predisposition syndrome 2 (RTPS2). Identifiers: Orphanet 231108, Orphanet 69077, MedGen C2750074, MONDO:0013224, OMIM 613325.

Submissions (2):

Labcorp Genetics (formerly Invitae), Labcorp
Classification: Uncertain significance for Rhabdoid tumor predisposition syndrome 2. Last evaluated: 2022-04-22. Review status: criteria provided, single submitter. Criteria: Invitae Variant Classification Sherloc (09022015). Collection method: clinical testing. Allele origin: germline.
Comment: In summary, the available evidence is currently insufficient to determine the role of this variant in disease. Therefore, it has been classified as a Variant of Uncertain Significance. Algorithms developed to predict the effect of missense changes on protein structure and function (SIFT, PolyPhen-2, Align-GVGD) all suggest that this variant is likely to be disruptive. ClinVar contains an entry for this variant (Variation ID: 825948). This variant has not been reported in the literature in individuals affected with SMARCA4-related conditions. This variant is not present in population databases (gnomAD no frequency). This sequence change replaces arginine, which is basic and polar, with lysine, which is basic and polar, at codon 192 of the SMARCA4 protein (p.Arg192Lys).

Ambry Genetics
Classification: Uncertain significance for Hereditary cancer-predisposing syndrome. Last evaluated: 2019-09-25. Review status: criteria provided, single submitter. Criteria: Ambry Variant Classification Scheme 2023. Collection method: clinical testing. Allele origin: germline.
Comment: The p.R192K variant (also known as c.575G>A), located in coding exon 3 of the SMARCA4 gene, results from a G to A substitution at nucleotide position 575. The arginine at codon 192 is replaced by lysine, an amino acid with highly similar properties. This amino acid position is highly conserved in available vertebrate species. In addition, the in silico prediction for this alteration is inconclusive. Since supporting evidence is limited at this time, the clinical significance of this alteration remains unclear.